The following is an entry in ClinVar:

NM_004393.6(DAG1):c.1181G>A (p.Gly394Asp)

Gene: DAG1 (dystroglycan 1; plus strand). Cytogenetic location: 3p21.31.
Variant type: single nucleotide variant.
Coding change: c.1181G>A on transcript NM_004393.6 (MANE Select); coding-DNA position 1181, G replaced by A.
Protein change: p.Gly394Asp; replaces glycine 394 with aspartic acid.
Molecular consequence: missense variant.
Genome position (GRCh38, 1-based): chr3:49,531,692, G>A. VCF-style: chr3-49531692-G-A. GRCh37 (hg19) VCF-style: chr3-49569125-G-A.
Other names: c.1181G>A, p.Gly394Asp (NM_001177638.3, NM_001177639.3, NM_001177640.3 and 9 more transcripts); c.1181G>A (NM_004393.4); short protein forms G394D.
Identifiers: ClinVar variation 848765 (VCV000848765.7), dbSNP rs1318377074, ClinGen allele CA352794882.

ClinVar aggregate classification (germline): Uncertain significance. Review status: criteria provided, multiple submitters, no conflicts (2 of 4 stars). 2 submissions from 2 submitters: Uncertain significance (2). Last evaluated 2025-09-21.

Conditions:
Inborn genetic diseases. Identifiers: MedGen C0950123, MeSH D030342.
Autosomal recessive limb-girdle muscular dystrophy type 2P. Also called: Limb-Girdle Muscular Dystrophy Type 9C; MUSCULAR DYSTROPHY, LIMB-GIRDLE, TYPE 2P; MUSCULAR DYSTROPHY-DYSTROGLYCANOPATHY, LIMB-GIRDLE, DAG1-RELATED. Identifiers: Orphanet 280333, MedGen C4511963, MONDO:0013440, OMIM 613818.
Muscular dystrophy-dystroglycanopathy (congenital with brain and eye anomalies), type A9. Also called: WALKER-WARBURG SYNDROME OR MUSCLE-EYE BRAIN DISEASE, DAG1-RELATED; Muscular dystrophy-dystroglycanopathy (congenital with brain and eye anomalies), type a, 9. Identifiers: Orphanet 370997, Orphanet 899, MedGen C4225291, MONDO:0014683, OMIM 616538.

Allele frequency attached by ClinVar (database versions not stated): gnomAD exomes 0.00001; TOPMed 0.00002; gnomAD 0.00003.

Submissions (2):

Ambry Genetics
Classification: Uncertain significance for Inborn genetic diseases. Last evaluated: 2025-09-21. Review status: criteria provided, single submitter. Criteria: Ambry Variant Classification Scheme 2023. Collection method: clinical testing. Allele origin: germline.

Labcorp Genetics (formerly Invitae), Labcorp
Classification: Uncertain significance for Autosomal recessive limb-girdle muscular dystrophy type 2P; Muscular dystrophy-dystroglycanopathy (congenital with brain and eye anomalies), type A9. Last evaluated: 2022-03-11. Review status: criteria provided, single submitter. Criteria: Invitae Variant Classification Sherloc (09022015). Collection method: clinical testing. Allele origin: germline.
Comment: ClinVar contains an entry for this variant (Variation ID: 848765). Algorithms developed to predict the effect of missense changes on protein structure and function (SIFT, PolyPhen-2, Align-GVGD) all suggest that this variant is likely to be tolerated. In summary, the available evidence is currently insufficient to determine the role of this variant in disease. Therefore, it has been classified as a Variant of Uncertain Significance. This variant has not been reported in the literature in individuals affected with DAG1-related conditions. This sequence change replaces glycine, which is neutral and non-polar, with aspartic acid, which is acidic and polar, at codon 394 of the DAG1 protein (p.Gly394Asp). This variant is present in population databases (no rsID available, gnomAD 0.03%).